The following is an entry in ClinVar:

ClinVar aggregate classification (germline): Uncertain significance (1 of 4 stars; one submission).

Conditions:
Hereditary cancer-predisposing syndrome. Also called: Neoplastic Syndromes, Hereditary; Tumor predisposition; Hereditary Cancer Syndrome; Hereditary neoplastic syndrome. Identifiers: Orphanet 140162, MedGen C0027672, MeSH D009386, MONDO:0015356.

Submission:

Ambry Genetics
Classification: Uncertain significance for Hereditary cancer-predisposing syndrome. Last evaluated: 2014-12-31. Review status: criteria provided, single submitter. Criteria: Ambry Autosomal Dominant and X-Linked criteria (10/2015). Collection method: clinical testing. Allele origin: germline. Observed: 1 variant allele.
Comment: The p.P769R variant (also known as c.2306C>G), located in coding exon 19 of the NF1 gene, results from a C to G substitution at nucleotide position 2306. The proline at codon 769 is replaced by arginine, an amino acid with dissimilar properties. This variant was not reported in population based cohorts in the following databases: Database of Single Nucleotide Polymorphisms (dbSNP), NHLBI Exome Sequencing Project (ESP), and 1000 Genomes Project. In the ESP, this variant was not observed in 6503 samples (13006 alleles) with coverage at this position. To date, this alteration has been detected with an allele frequency of approximately 0.003% (greater than 30,000 alleles tested) in our clinical cohort. This amino acid position is highly conserved in available vertebrate species. In addition, this alteration is predicted to be deleterious by in silico analysis. Since supporting evidence is limited at this time, the clinical significance of p.P769R remains unclear.

NM_001042492.3(NF1):c.2306C>G (p.Pro769Arg)

Gene: NF1 (neurofibromin 1; plus strand). Cytogenetic location: 17q11.2.
Variant type: single nucleotide variant.
Coding change: c.2306C>G on transcript NM_001042492.3 (MANE Select); coding-DNA position 2306, C replaced by G.
Protein change: p.Pro769Arg; replaces proline 769 with arginine.
Molecular consequence: missense variant.
Genome position (GRCh38, 1-based): chr17:31,227,272, C>G. VCF-style: chr17-31227272-C-G. GRCh37 (hg19) VCF-style: chr17-29554290-C-G.
Other names: c.2306C>G, p.Pro769Arg (NM_000267.4); short protein forms P769R.
Identifiers: ClinVar variation 187197 (VCV000187197.3), dbSNP rs786203543, ClinGen allele CA196983.